The following is an entry in ClinVar:

ClinVar aggregate classification (germline): Likely benign. Review status: criteria provided, single submitter (1 of 4 stars). 2 submissions from 2 submitters: Likely benign (1). 1 of the submissions does not count toward it. Last evaluated 2025-01-06.

Conditions:
CHD7-related disorder. Also called: CHD7-related condition.
CHARGE syndrome (CHARGE). Also called: Hittner Hirsch Kreh syndrome; CHARGE ASSOCIATION--COLOBOMA, HEART ANOMALY, CHOANAL ATRESIA, RETARDATION, GENITAL AND EAR ANOMALIES; Coloboma, heart anomaly, choanal atresia, retardation, genital and ear anomalies; CHARGE association; Hall-Hittner syndrome. Identifiers: Orphanet 138, MedGen C0265354, MONDO:0008965.

Allele frequency attached by ClinVar (database versions not stated): gnomAD 0.00001; TOPMed 0.00002; ExAC 0.00003.
gnomAD v4.1: 23 of 1,576,684 alleles (0.0015%); highest among the groups gnomAD compares: Non-Finnish European, 0.0018%; no homozygotes.

Submissions (2):

Labcorp Genetics (formerly Invitae), Labcorp
Classification: Likely benign for CHARGE syndrome. Last evaluated: 2025-01-06. Review status: criteria provided, single submitter. Criteria: Invitae Variant Classification Sherloc (09022015). Collection method: clinical testing. Allele origin: germline.

PreventionGenetics, part of Exact Sciences
Classification: Likely benign for CHD7-related condition. Last evaluated: 2019-10-28. Review status: no assertion criteria provided. Collection method: clinical testing. Allele origin: germline. Not counted in ClinVar's aggregate classification.
Comment: This variant is classified as likely benign based on ACMG/AMP sequence variant interpretation guidelines (Richards et al. 2015 PMID: 25741868, with internal and published modifications).

NM_017780.4(CHD7):c.6937-8C>T

Gene: CHD7 (chromodomain helicase DNA binding protein 7; plus strand). Cytogenetic location: 8q12.2.
Variant type: single nucleotide variant.
Coding change: c.6937-8C>T on transcript NM_017780.4 (MANE Select); 8 bases into the intron before coding-DNA position 6937, C replaced by T.
Molecular consequence: intron variant.
Genome position (GRCh38, 1-based): chr8:60,855,967, C>T. VCF-style: chr8-60855967-C-T. GRCh37 (hg19) VCF-style: chr8-61768526-C-T.
Other names: c.1717-6262C>T (NM_001316690.1); c.6937-8C>T (NM_017780.3).
Identifiers: ClinVar variation 1160999 (VCV001160999.11), dbSNP rs765520430, ClinGen allele CA4760705.